The following is an entry in ClinVar:

ClinVar aggregate classification (germline): Uncertain significance (1 of 4 stars; one submission).

Conditions:
Meckel-Gruber syndrome. Also called: Dysencephalia splachnocystica; DYSENCEPHALIA SPLANCHNOCYSTICA; GRUBER SYNDROME. Identifiers: Orphanet 564, MedGen C0265215, MONDO:0018921.
Joubert syndrome. Also called: Familial aplasia of the vermis; CEREBELLOPARENCHYMAL DISORDER IV; JOUBERT-BOLTSHAUSER SYNDROME. Identifiers: Orphanet 475, MedGen C5979921, MONDO:0018772.

Submission:

Labcorp Genetics (formerly Invitae), Labcorp
Classification: Uncertain significance for Joubert syndrome; Meckel-Gruber syndrome. Last evaluated: 2022-01-13. Review status: criteria provided, single submitter. Criteria: Invitae Variant Classification Sherloc (09022015). Collection method: clinical testing. Allele origin: germline.
Comment: ClinVar contains an entry for this variant (Variation ID: 970557). In summary, the available evidence is currently insufficient to determine the role of this variant in disease. Therefore, it has been classified as a Variant of Uncertain Significance. Algorithms developed to predict the effect of missense changes on protein structure and function are either unavailable or do not agree on the potential impact of this missense change (SIFT: "Deleterious"; PolyPhen-2: "Probably Damaging"; Align-GVGD: "Class C0"). This variant has not been reported in the literature in individuals affected with MKS1-related conditions. This variant is not present in population databases (gnomAD no frequency). This sequence change replaces glutamic acid, which is acidic and polar, with glutamine, which is neutral and polar, at codon 457 of the MKS1 protein (p.Glu457Gln).

NM_017777.4(MKS1):c.1369G>C (p.Glu457Gln)

Gene: MKS1 (MKS transition zone complex subunit 1; minus strand). Cytogenetic location: 17q22.
Variant type: single nucleotide variant.
Coding change: c.1369G>C on transcript NM_017777.4 (MANE Select); coding-DNA position 1369, G replaced by C.
Protein change: p.Glu457Gln; replaces glutamic acid 457 with glutamine.
Molecular consequence: missense variant. On other transcripts: intron variant (1).
Genome position (GRCh38, 1-based): chr17:58,207,123, C>G on the plus strand (G>C on the coding strand, the complement: MKS1 is on the minus strand). VCF-style: chr17-58207123-C-G. GRCh37 (hg19) VCF-style: chr17-56284484-C-G.
Other names: c.760G>C, p.Glu254Gln (NM_001321268.2); c.1369G>C, p.Glu457Gln (NM_001321269.2); c.1274-743G>C (NM_001330397.2); short protein forms E254Q, E457Q.
Identifiers: ClinVar variation 970557 (VCV000970557.10), dbSNP rs1968562983, ClinGen allele CA400324876.